The following is an entry in ClinVar:

ClinVar aggregate classification (germline): Pathogenic (1 of 4 stars; one submission).

Conditions:
X-linked Alport syndrome (ATS1). Also called: NEPHROPATHY AND DEAFNESS, X-LINKED; COL4A5-Related Nephropathy. Identifiers: Orphanet 63, Orphanet 88917, MedGen C4746986, MONDO:0010520, OMIM 301050.

Submission:

Precision Medicine Center, Zhengzhou University
Classification: Pathogenic for X-linked Alport syndrome. Last evaluated: 2023-12-01. Review status: criteria provided, single submitter. Criteria: ACMG Guidelines, 2015. Collection method: clinical testing. Allele origin: maternal. Affected: yes.
Comment: PVS1,PM2_p,PP1,PP4

NM_033380.3(COL4A5):c.4528+1G>C

Gene: COL4A5 (collagen type IV alpha 5 chain; plus strand). Cytogenetic location: Xq22.3.
Variant type: single nucleotide variant.
Coding change: c.4528+1G>C on transcript NM_033380.3 (MANE Select); the canonical splice donor site of the intron after coding-DNA position 4528, G replaced by C.
Molecular consequence: splice donor variant.
Genome position (GRCh38, 1-based): chrX:108,687,695, G>C. VCF-style: chrX-108687695-G-C. GRCh37 (hg19) VCF-style: chrX-107930925-G-C.
Other names: c.4510+1G>C (NM_000495.5).
Identifiers: ClinVar variation 2681730 (VCV002681730.2), dbSNP rs104886413.